The following is an entry in ClinVar:

ClinVar aggregate classification (germline): Pathogenic (1 of 4 stars; one submission).

Submission:

Quest Diagnostics Nichols Institute San Juan Capistrano
Classification: Pathogenic. Last evaluated: 2022-08-16. Review status: criteria provided, single submitter. Criteria: ACMG/ClinGen CNV Guidelines, 2019. Collection method: clinical testing. Allele origin: unknown.
Comment: The copy number loss of 9p23p22.3 involves three protein-coding genes, including MPDZ (OMIM 60785), NFIB (OMIM 600728), and multiple exons of the 3' portion (NM_001354120.2) of ZDHHC21 (OMIM 614605). Loss-of-function variants of NFIB are associated with autosomal dominant macrocephaly with impaired intellectual development (OMIM 618286, Schanze 2018, Barrus 2020, Sajan 2013). There are no similar copy number losses of this region in the general populations of the Database of Genomic Variants. Thus, based on current medical literature and gene content, this copy number variant (CNV) is classified as pathogenic. References: Barrus et al., Am J Med Genet A. 2020 Dec;182(12):2959-2963. PMID: 32902921 Schanze et al., Am J Hum Genet. 2018 Nov 1;103(5):752-768. PMID: 30388402 Sajan et al., PLoS Genet. 2013;9(10):e1003823. PMID: 24098143

GRCh37/hg19 9p23-22.3(chr9:13036456-14661243)x1

Genes: MPDZ (multiple PDZ domain crumbs cell polarity complex component; minus strand), NFIB (nuclear factor I B; minus strand), ZDHHC21 (zDHHC palmitoyltransferase 21; minus strand). Cytogenetic location: 9p23-22.3.
Variant type: copy number loss.
Change: copy number 1 (one copy instead of two) of chr9:13,036,456-14,661,243 (1.62 Mb, GRCh37 coordinates, 1-based), cytogenetic band 9p23-22.3.
Identifiers: ClinVar variation 2685340 (VCV002685340.1).